The following is an entry in ClinVar:

ClinVar aggregate classification (germline): Conflicting classifications of pathogenicity. Review status: criteria provided, conflicting classifications (1 of 4 stars). 5 submissions from 5 submitters: Likely pathogenic (3); Uncertain significance (1). 1 of the submissions does not count toward it. Last evaluated 2024-01-11.

Conditions:
Pyruvate dehydrogenase E1-beta deficiency (PDHBD). Identifiers: Orphanet 255138, Orphanet 765, MedGen C3279841, MONDO:0013580, OMIM 614111.

Allele frequency attached by ClinVar (database versions not stated): ExAC 0.00001; gnomAD exomes 0.00001 and 0.00002; TOPMed 0.00001; gnomAD 0.00002.
gnomAD v4.1: 21 of 1,613,906 alleles (0.0013%); highest among the groups gnomAD compares: Non-Finnish European, 0.00051%; no homozygotes.

Submissions (5):

Fulgent Genetics
Classification: Likely pathogenic for Pyruvate dehydrogenase E1-beta deficiency. Last evaluated: 2024-01-11. Review status: criteria provided, single submitter. Criteria: ACMG Guidelines, 2015. Collection method: clinical testing. Allele origin: germline.

Baylor Genetics
Classification: Likely pathogenic for Pyruvate dehydrogenase E1-beta deficiency. Last evaluated: 2023-08-03. Review status: criteria provided, single submitter. Criteria: ACMG Guidelines, 2015. Collection method: clinical testing. Allele origin: unknown.

Department of Pathology and Laboratory Medicine, Sinai Health System
Classification: Likely pathogenic for Pyruvate dehydrogenase E1-beta deficiency. Last evaluated: 2023-01-19. Review status: criteria provided, single submitter. Criteria: ACMG Guidelines, 2015. Collection method: research. Allele origin: germline.

Labcorp Genetics (formerly Invitae), Labcorp
Classification: Uncertain significance for Pyruvate dehydrogenase E1-beta deficiency. Last evaluated: 2022-03-01. Review status: criteria provided, single submitter. Criteria: Invitae Variant Classification Sherloc (09022015). Collection method: clinical testing. Allele origin: germline.
Comment: This sequence change replaces aspartic acid, which is acidic and polar, with valine, which is neutral and non-polar, at codon 319 of the PDHB protein (p.Asp319Val). This variant is present in population databases (rs199983136, gnomAD 0.05%). This missense change has been observed in individual(s) with clinical features of PDHB-related conditions (PMID: 18164639). ClinVar contains an entry for this variant (Variation ID: 978590). Algorithms developed to predict the effect of missense changes on protein structure and function (SIFT, PolyPhen-2, Align-GVGD) all suggest that this variant is likely to be disruptive. In summary, the available evidence is currently insufficient to determine the role of this variant in disease. Therefore, it has been classified as a Variant of Uncertain Significance.

OMIM
Classification: Pathogenic for PYRUVATE DEHYDROGENASE E1-BETA DEFICIENCY. Last evaluated: 2020-09-24. Review status: no assertion criteria provided. Collection method: literature only. Allele origin: germline. Not counted in ClinVar's aggregate classification.

Literature cited by the submitters: PubMed 18164639 (cited by Labcorp Genetics (formerly Invitae), Labcorp and OMIM).

NM_000925.4(PDHB):c.956A>T (p.Asp319Val)

Gene: PDHB (pyruvate dehydrogenase E1 subunit beta; minus strand). Cytogenetic location: 3p14.3.
Variant type: single nucleotide variant.
Coding change: c.956A>T on transcript NM_000925.4 (MANE Select); coding-DNA position 956, A replaced by T.
Protein change: p.Asp319Val; replaces aspartic acid 319 with valine.
Molecular consequence: missense variant. On other transcripts: non-coding transcript variant (1).
Genome position (GRCh38, 1-based): chr3:58,428,158, T>A on the plus strand (A>T on the coding strand, the complement: PDHB is on the minus strand). VCF-style: chr3-58428158-T-A. GRCh37 (hg19) VCF-style: chr3-58413885-T-A.
Other names: c.902A>T, p.Asp301Val (NM_001173468.2, NM_001315536.2); short protein forms D319V, D301V.
Identifiers: ClinVar variation 978590 (VCV000978590.6), dbSNP rs199983136, ClinGen allele CA2471392.
Genomic context (GRCh38, chr3:58,428,158, plus strand): 5'-TCTAGAATCTTTGCATAAGGCATAGGGACATCAGCACCAGTGACACGAACAGCAGGAGCA[T>A]CCAGGAAATTGAACGCAGGACCTAGGAGAAGGAAGGCTCAACTGAGAGAGTGCAAATGCC-3'
Protein context (NP_000916.2, residues 309-329): IMEGPAFNFL[Asp319Val]APAVRVTGAD